The following is an entry in ClinVar:

ClinVar aggregate classification (germline): Uncertain significance. Review status: criteria provided, multiple submitters, no conflicts (2 of 4 stars). 6 submissions from 5 submitters: Uncertain significance (6). Last evaluated 2026-10-15.

Conditions:
Usher syndrome type 2A. Also called: RETINAL DISEASE IN USHER SYNDROME TYPE IIA, MODIFIER OF; USHER SYNDROME, TYPE IIA. Identifiers: Orphanet 231178, Orphanet 886, MedGen C1848634, MONDO:0010169, OMIM 276901.
USH2A-related disorder. Also called: USH2A-related condition; USH2A-related disorders. Identifiers: MedGen CN239332.
Retinitis pigmentosa 39 (RP39). Identifiers: Orphanet 791, MedGen C3151138, MONDO:0013436, OMIM 613809.

Allele frequency attached by ClinVar (database versions not stated): ExAC 0.00005; gnomAD 0.00018 and 0.00014; ESP Exome Variant Server 0.00015; TOPMed 0.00023; gnomAD exomes 0.00001 and 0.00005.
gnomAD v4.1: 40 of 1,611,914 alleles (0.0025%); highest among the groups gnomAD compares: African/African-American, 0.036%; no homozygotes.

Submissions (6):

GeneDx
Classification: Uncertain significance. Last evaluated: 2026-10-15. Review status: criteria provided, single submitter. Criteria: GeneDx Variant Classification Process June 2021. Collection method: clinical testing. Allele origin: germline.
Comment: In silico analysis suggests that this missense variant does not alter protein structure/function; Has not been previously published as pathogenic or benign to our knowledge

PreventionGenetics, part of Exact Sciences
Classification: Uncertain significance for USH2A-related condition. Last evaluated: 2026-08-24. Review status: criteria provided, single submitter. Criteria: ACMG Guidelines, 2015. Collection method: clinical testing. Allele origin: germline.
Comment: The USH2A c.5179C>T variant is predicted to result in the amino acid substitution p.Leu1727Phe. To our knowledge, this variant has not been reported in the literature. This variant is reported in 0.040% of alleles in individuals of African descent in gnomAD. At this time, the clinical significance of this variant is uncertain due to the absence of conclusive functional and genetic evidence.

Labcorp Genetics (formerly Invitae), Labcorp
Classification: Uncertain significance. Last evaluated: 2024-10-22. Review status: criteria provided, single submitter. Criteria: Invitae Variant Classification Sherloc (09022015). Collection method: clinical testing. Allele origin: germline.
Comment: This sequence change replaces leucine, which is neutral and non-polar, with phenylalanine, which is neutral and non-polar, at codon 1727 of the USH2A protein (p.Leu1727Phe). This variant is present in population databases (rs368058316, gnomAD 0.04%). This variant has not been reported in the literature in individuals affected with USH2A-related conditions. ClinVar contains an entry for this variant (Variation ID: 866164). Invitae Evidence Modeling of protein sequence and biophysical properties (such as structural, functional, and spatial information, amino acid conservation, physicochemical variation, residue mobility, and thermodynamic stability) indicates that this missense variant is not expected to disrupt USH2A protein function with a negative predictive value of 95%. In summary, the available evidence is currently insufficient to determine the role of this variant in disease. Therefore, it has been classified as a Variant of Uncertain Significance.

Genome-Nilou Lab
Classification: Uncertain significance for Retinitis pigmentosa 39. Last evaluated: 2023-11-04. Review status: criteria provided, single submitter. Criteria: ACMG Guidelines, 2015. Collection method: clinical testing. Allele origin: germline. Affected: no.

Genome-Nilou Lab
Classification: Uncertain significance for Usher syndrome type 2A. Last evaluated: 2023-11-04. Review status: criteria provided, single submitter. Criteria: ACMG Guidelines, 2015. Collection method: clinical testing. Allele origin: germline. Affected: no.

Blueprint Genetics
Classification: Uncertain significance. Last evaluated: 2022-10-07. Review status: criteria provided, single submitter. Criteria: ACMG Guidelines, 2015. Collection method: clinical testing. Allele origin: germline.

NM_206933.4(USH2A):c.5179C>T (p.Leu1727Phe)

Genes: USH2A-AS2 (USH2A antisense RNA 2; plus strand), USH2A (usherin; minus strand). Cytogenetic location: 1q41.
Variant type: single nucleotide variant.
Coding change: c.5179C>T on transcript NM_206933.4 (MANE Select); coding-DNA position 5179, C replaced by T.
Protein change: p.Leu1727Phe; replaces leucine 1727 with phenylalanine.
Molecular consequence: missense variant.
Genome position (GRCh38, 1-based): chr1:216,083,575, G>A on the plus strand (C>T on the coding strand, the complement: USH2A is on the minus strand). VCF-style: chr1-216083575-G-A. GRCh37 (hg19) VCF-style: chr1-216256917-G-A.
Other names: short protein forms L1727F.
Identifiers: ClinVar variation 866164 (VCV000866164.13), dbSNP rs368058316, ClinGen allele CA1395508.